The following is an entry in ClinVar:

NM_001374385.1(ATP8B1):c.555-167A>G

Gene: ATP8B1 (ATPase phospholipid transporting 8B1; minus strand). Cytogenetic location: 18q21.31.
Variant type: single nucleotide variant.
Coding change: c.555-167A>G on transcript NM_001374385.1 (MANE Select); 167 bases into the intron before coding-DNA position 555, A replaced by G.
Molecular consequence: intron variant.
Genome position (GRCh38, 1-based): chr18:57,698,034, T>C on the plus strand (A>G on the coding strand, the complement: ATP8B1 is on the minus strand). VCF-style: chr18-57698034-T-C. GRCh37 (hg19) VCF-style: chr18-55365266-T-C.
Other names: c.555-167A>G (NM_005603.6); c.405-167A>G (NM_001374386.1).
Identifiers: ClinVar variation 1232254 (VCV001232254.4), dbSNP rs319437, ClinGen allele CA300862731.

ClinVar aggregate classification (germline): Benign. Review status: criteria provided, multiple submitters, no conflicts (2 of 4 stars). 2 submissions from 2 submitters: Benign (2). Last evaluated 2026-04-14.

Conditions:
Familial intrahepatic cholestasis. Identifiers: Orphanet 284385, MedGen CN296401, MONDO:0017290.

Allele frequency attached by ClinVar (database versions not stated): TOPMed 0.99122; gnomAD 0.99187 and 0.99251; 1000 Genomes Project 0.99241; 1000 Genomes Project 30x 0.99250.
gnomAD v4.1: 151,220 of 152,350 alleles (99%); highest among the groups gnomAD compares: Middle Eastern, 100%; 75,067 homozygotes.

Submissions (2):

Genomenon, Inc
Classification: Benign for Familial intrahepatic cholestasis. Last evaluated: 2026-04-14. Review status: criteria provided, single submitter. Criteria: Genomenon Sequence Variant Interpretation Standards - Updated. Collection method: curation. Allele origin: germline. Affected: no.
Comment: ATP8B1 c.555-167A>G is a deep intronic variant located in intron 6. This variant is present at high allele frequency in population databases. In conclusion, we classify ATP8B1 c.555-167A>G as a benign variant.

GeneDx
Classification: Benign. Last evaluated: 2019-05-22. Review status: criteria provided, single submitter. Criteria: GeneDx Variant Classification Process June 2021. Collection method: clinical testing. Allele origin: germline. Affected: yes.